The following is an entry in ClinVar:

ClinVar aggregate classification (germline): Uncertain significance (1 of 4 stars; one submission).

Conditions:
Compton-North congenital myopathy (CMYO12). Identifiers: Orphanet 210163, MedGen C2675527, MONDO:0012929, OMIM 612540.

Allele frequency attached by ClinVar (database versions not stated): gnomAD exomes below 0.00001; ExAC 0.00001; gnomAD 0.00001; TOPMed 0.00001.
gnomAD v4.1: 3 of 1,613,470 alleles (0.00019%); highest among the groups gnomAD compares: Admixed American, 0.0017%; no homozygotes.

Submission:

Labcorp Genetics (formerly Invitae), Labcorp
Classification: Uncertain significance for Compton-North congenital myopathy. Last evaluated: 2021-11-13. Review status: criteria provided, single submitter. Criteria: Invitae Variant Classification Sherloc (09022015). Collection method: clinical testing. Allele origin: germline.
Comment: Advanced modeling of protein sequence and biophysical properties (such as structural, functional, and spatial information, amino acid conservation, physicochemical variation, residue mobility, and thermodynamic stability) performed at Invitae indicates that this missense variant is not expected to disrupt CNTN1 protein function. In summary, the available evidence is currently insufficient to determine the role of this variant in disease. Therefore, it has been classified as a Variant of Uncertain Significance. This variant has not been reported in the literature in individuals affected with CNTN1-related conditions. This variant is present in population databases (rs778593974, gnomAD no frequency). This sequence change replaces threonine, which is neutral and polar, with alanine, which is neutral and non-polar, at codon 638 of the CNTN1 protein (p.Thr638Ala).

NM_001843.4(CNTN1):c.1912A>G (p.Thr638Ala)

Gene: CNTN1 (contactin 1; plus strand). Cytogenetic location: 12q12.
Variant type: single nucleotide variant.
Coding change: c.1912A>G on transcript NM_001843.4 (MANE Select); coding-DNA position 1912, A replaced by G.
Protein change: p.Thr638Ala; replaces threonine 638 with alanine.
Molecular consequence: missense variant.
Genome position (GRCh38, 1-based): chr12:40,981,016, A>G. VCF-style: chr12-40981016-A-G. GRCh37 (hg19) VCF-style: chr12-41374818-A-G.
Other names: c.1879A>G, p.Thr627Ala (NM_175038.2); short protein forms T638A, T627A.
Identifiers: ClinVar variation 1428482 (VCV001428482.4), dbSNP rs778593974, ClinGen allele CA6517007.